The following is an entry in ClinVar:

NC_000001.10:g.(?_160094906)_(160097630_?)del

Gene: ATP1A2 (ATPase Na+/K+ transporting subunit alpha 2; plus strand). Cytogenetic location: 1q23.2.
Variant type: Deletion.
Identifiers: ClinVar variation 1409905 (VCV001409905.4).

ClinVar aggregate classification (germline): Uncertain significance (1 of 4 stars; one submission).

Conditions:
Familial hemiplegic migraine. Identifiers: MedGen C0338484, MONDO:0000700.

Submission:

Labcorp Genetics (formerly Invitae), Labcorp
Classification: Uncertain significance for Familial hemiplegic migraine. Last evaluated: 2021-08-21. Review status: criteria provided, single submitter. Criteria: Invitae Variant Classification Sherloc (09022015). Collection method: clinical testing. Allele origin: germline.
Comment: In summary, the available evidence is currently insufficient to determine the role of this variant in disease. Therefore, it has been classified as a Variant of Uncertain Significance. Experimental studies and prediction algorithms are not available or were not evaluated, and the functional significance of this variant is currently unknown. This variant is a gross deletion of the genomic region encompassing exon(s) 7-8 of the ATP1A2 gene. This variant would be expected to be in-frame, preserving the integrity of the reading frame. This variant has not been reported in the literature in individuals affected with ATP1A2-related conditions.